The following is an entry in ClinVar:

ClinVar aggregate classification (germline): Pathogenic. Review status: criteria provided, multiple submitters, no conflicts (2 of 4 stars). 5 submissions from 5 submitters: Pathogenic (3). 2 of the submissions do not count toward it. Last evaluated 2025-12-22.

Conditions:
Pigmentary pallidal degeneration (NBIA1). Also called: PKAN NEUROAXONAL DYSTROPHY, JUVENILE-ONSET; Pantothenate Kinase-Associated Neurodegeneration; Neuroaxonal dystrophy, late infantile; Hallervorden-Spatz disease; Neurodegeneration with brain iron accumulation 1; HARP SYNDROME. Identifiers: Orphanet 157850, MedGen C0018523, MONDO:0009319, OMIM 234200.

Allele frequency attached by ClinVar (database versions not stated): gnomAD exomes below 0.00001; gnomAD 0.00001; TOPMed 0.00004.
gnomAD v4.1: 8 of 1,614,048 alleles (0.0005%); highest among the groups gnomAD compares: African/African-American, 0.0027%; no homozygotes.

Submissions (5):

Labcorp Genetics (formerly Invitae), Labcorp
Classification: Pathogenic for Pigmentary pallidal degeneration. Last evaluated: 2025-12-22. Review status: criteria provided, single submitter. Criteria: Invitae Variant Classification Sherloc (09022015). Collection method: clinical testing. Allele origin: germline.
Comment: This sequence change replaces tyrosine, which is neutral and polar, with cysteine, which is neutral and slightly polar, at codon 227 of the PANK2 protein (p.Tyr227Cys). This variant is not present in population databases (gnomAD no frequency). This missense change has been observed in individuals with pantothenate kinase-associated neurodegeneration (PMID: 17903678, 22127788, 22682757, 25915509). It has also been observed to segregate with disease in related individuals. ClinVar contains an entry for this variant (Variation ID: 456525). Invitae Evidence Modeling of protein sequence and biophysical properties (such as structural, functional, and spatial information, amino acid conservation, physicochemical variation, residue mobility, and thermodynamic stability) has been performed for this missense variant. However, the output from this modeling did not meet the statistical confidence thresholds required to predict the impact of this variant on PANK2 protein function. For these reasons, this variant has been classified as Pathogenic.

GeneDx
Classification: Pathogenic. Last evaluated: 2022-12-09. Review status: criteria provided, single submitter. Criteria: GeneDx Variant Classification Process June 2021. Collection method: clinical testing. Allele origin: germline. Affected: yes.
Comment: In silico analysis supports that this missense variant has a deleterious effect on protein structure/function; Not observed at significant frequency in large population cohorts (gnomAD); This variant is associated with the following publications: (PMID: 22682757, 17903678, 31589614, 25915509)

Women's Health and Genetics/Laboratory Corporation of America, LabCorp
Classification: Pathogenic for Pigmentary pallidal degeneration. Last evaluated: 2022-05-19. Review status: criteria provided, single submitter. Criteria: LabCorp Variant Classification Summary - May 2015. Collection method: clinical testing. Allele origin: germline.
Comment: Variant summary: PANK2 c.680A>G (p.Tyr227Cys) results in a non-conservative amino acid change in the encoded protein sequence. Five of five in-silico tools predict a damaging effect of the variant on protein function. The variant was absent in 251270 control chromosomes. c.680A>G has been reported in the literature in multiple individuals affected with Pantothenate Kinase-Associated Neurodegeneration (example, Saleheen_2007, Delgado_2012, Stoeler_2020). These data indicate that the variant is very likely to be associated with disease. To our knowledge, no experimental evidence demonstrating an impact on protein function has been reported. One clinical diagnostic laboratory and the Gene Reviews database have submitted clinical-significance assessments for this variant to ClinVar after 2014 without evidence for independent evaluation. Both submitters classified the variant as pathogenic. Based on the evidence outlined above, the variant was classified as pathogenic.

OMIM
Classification: Pathogenic for NEURODEGENERATION WITH BRAIN IRON ACCUMULATION 1. Last evaluated: 2024-03-13. Review status: no assertion criteria provided. Collection method: literature only. Allele origin: germline. Not counted in ClinVar's aggregate classification.

GeneReviews
No classification provided. Condition: Pigmentary pallidal degeneration. Review status: no classification provided. Collection method: literature only. Allele origin: germline. Not counted in ClinVar's aggregate classification.

Literature cited by the submitters: PubMed 17903678 (cited by Labcorp Genetics (formerly Invitae), Labcorp and Women's Health and Genetics/Laboratory Corporation of America, LabCorp); PubMed 22127788 (cited by 3 submitters); PubMed 22682757 (cited by Labcorp Genetics (formerly Invitae), Labcorp); PubMed 25915509 (cited by Labcorp Genetics (formerly Invitae), Labcorp and OMIM); PubMed 31540697 (cited by Women's Health and Genetics/Laboratory Corporation of America, LabCorp); PubMed 32851917 (cited by Women's Health and Genetics/Laboratory Corporation of America, LabCorp); NCBI Bookshelf NBK1490 (cited by GeneReviews).

NM_001386393.1(PANK2):c.350A>G (p.Tyr117Cys)

Gene: PANK2 (pantothenate kinase 2; plus strand). Cytogenetic location: 20p13.
Variant type: single nucleotide variant.
Coding change: c.350A>G on transcript NM_001386393.1 (MANE Select); coding-DNA position 350, A replaced by G.
Protein change: p.Tyr117Cys; replaces tyrosine 117 with cysteine.
Molecular consequence: missense variant. On other transcripts: 5 prime UTR variant (4), non-coding transcript variant (1).
Genome position (GRCh38, 1-based): chr20:3,907,977, A>G. VCF-style: chr20-3907977-A-G. GRCh37 (hg19) VCF-style: chr20-3888624-A-G.
Other names: c.-194A>G (NM_001324191.2, NM_024960.6, NM_153640.4); c.680A>G, p.Tyr227Cys (NM_001324192.1, NM_153638.4); c.-486A>G (NM_001324193.2); short protein forms Y227C, Y117C.
Identifiers: ClinVar variation 456525 (VCV000456525.16), dbSNP rs1555787646, ClinGen allele CA408112247.